The following is an entry in ClinVar:

NM_005055.5(RAPSN):c.213dup (p.Thr72fs)

Gene: RAPSN (receptor associated protein of the synapse; minus strand). Cytogenetic location: 11p11.2.
Variant type: Duplication.
Coding change: c.213dup on transcript NM_005055.5 (MANE Select); coding-DNA position 213, one base duplicated (C; older notation c.213dupC).
Protein change: p.Thr72fs; shifts the reading frame from threonine 72.
Molecular consequence: frameshift variant. On other transcripts: intron variant (1).
Genome position (GRCh38, 1-based): chr11:47,448,130, G duplicated on the plus strand (C on the coding strand, the reverse complement: RAPSN is on the minus strand). VCF-style (leftmost placement, unchanged base first): chr11-47448129-T-TG. GRCh37 (hg19) VCF-style: chr11-47469681-T-TG.
Other names: c.213dup, p.Thr72fs (NM_001440490.1, NM_001440491.1, NM_001440492.1 and 12 more transcripts); c.192+643dup (NM_001440504.1); short protein forms T72fs.
Identifiers: ClinVar variation 4815406 (VCV004815406.2).
Genomic context (GRCh38, chr11:47,448,129, plus strand): 5'-TGCGTGCCAGGTTCAGGTAGCTCTCCAGGAGGAAGTCGGCATCCTCCAGCTCCCGGGCCG[T>TG]GTCGATCTGGACCACAGCGAACTGCACACAGCGACGGTGGGCAGGTGGTGCTCAGCCTGG-3'

ClinVar aggregate classification (germline): Pathogenic/Likely pathogenic. Review status: criteria provided, multiple submitters, no conflicts (2 of 4 stars). 2 submissions from 2 submitters: Pathogenic (1); Likely pathogenic (1). Last evaluated 2024-04-14.

Conditions:
Congenital myasthenic syndrome (CMS). Also called: Congenital Myasthenic Syndromes. Identifiers: Orphanet 590, MedGen C0751882, MeSH D020294, MONDO:0018940.
RAPSN-related disorder. Also called: RAPSN-related condition; RAPSN-related disorders. Identifiers: MedGen CN239397.

Submissions (2):

Myriad Genetics, Inc.
Classification: Pathogenic for RAPSN-related disorder. Last evaluated: 2024-04-14. Review status: criteria provided, single submitter. Criteria: Myriad Autosomal Dominant, Autosomal Recessive and X-Linked Classification Criteria (2023). Collection method: clinical testing. Allele origin: unknown.
Comment: NM_005055.4(RAPSN):c.213dupC(T72Hfs*86) is expected to be pathogenic in the context of RAPSN-related disorders. This variant is predicted to lead to an abnormal or absent protein product due to the creation of a premature termination codon in RAPSN, a gene where loss-of-function variants are known to be pathogenic. Please note: this variant was assessed in the context of healthy population screening.

Natera, Inc.
Classification: Likely pathogenic for Congenital myasthenic syndrome. Last evaluated: 2024-03-29. Review status: criteria provided, single submitter. Criteria: Natera Variant Classification Schema (03/2026). Collection method: clinical testing. Allele origin: germline.
Comment: The c.213dupC variant in RAPSN is a frameshift variant predicted to shift the reading frame beginning at codon 72 and leads to a stop codon 86 codons downstream. This variant is expected to result in nonsense mediated decay, truncation, or a dysfunctional protein product. This variant is rare in the general population with a frequency below the threshold expected for the associated phenotype(s). Given the available evidence, this variant is classified as Likely Pathogenic.